The following is an entry in ClinVar:

NM_152618.3(BBS12):c.2024G>A (p.Arg675Gln)

Gene: BBS12 (Bardet-Biedl syndrome 12; plus strand). Cytogenetic location: 4q27.
Variant type: single nucleotide variant.
Coding change: c.2024G>A on transcript NM_152618.3 (MANE Select); coding-DNA position 2024, G replaced by A.
Protein change: p.Arg675Gln; replaces arginine 675 with glutamine.
Molecular consequence: missense variant.
Genome position (GRCh38, 1-based): chr4:122,743,916, G>A. VCF-style: chr4-122743916-G-A. GRCh37 (hg19) VCF-style: chr4-123665071-G-A.
Other names: c.2024G>A, p.Arg675Gln (NM_001178007.2); c.2024G>A (NM_152618.2); short protein forms R675Q.
Identifiers: ClinVar variation 1486748 (VCV001486748.9), dbSNP rs144843913, ClinGen allele CA3069553.

ClinVar aggregate classification (germline): Uncertain significance. Review status: criteria provided, multiple submitters, no conflicts (2 of 4 stars). 3 submissions from 3 submitters: Uncertain significance (3). Last evaluated 2026-08-07.

Conditions:
Bardet-Biedl syndrome 12 (BBS12). Identifiers: Orphanet 110, MedGen C1859570, MONDO:0014440, OMIM 615989.
BBS12-related disorder. Also called: BBS12-related condition.
Bardet-Biedl syndrome (BBS). Identifiers: Orphanet 110, MedGen C0752166, MONDO:0015229.

Allele frequency attached by ClinVar (database versions not stated): ExAC 0.00003; gnomAD 0.00004; TOPMed 0.00005; ESP Exome Variant Server 0.00008.
gnomAD v4.1: 34 of 1,607,354 alleles (0.0021%); highest among the groups gnomAD compares: African/African-American, 0.012%; no homozygotes.

Submissions (3):

PreventionGenetics, part of Exact Sciences
Classification: Uncertain significance for BBS12-related condition. Last evaluated: 2026-08-07. Review status: criteria provided, single submitter. Criteria: ACMG Guidelines, 2015. Collection method: clinical testing. Allele origin: germline.
Comment: The BBS12 c.2024G>A variant is predicted to result in the amino acid substitution p.Arg675Gln. To our knowledge, this variant has not been reported in the literature. This variant is reported in 0.020% of alleles in individuals of African descent in gnomAD. At this time, the clinical significance of this variant is uncertain due to the absence of conclusive functional and genetic evidence.

Labcorp Genetics (formerly Invitae), Labcorp
Classification: Uncertain significance for Bardet-Biedl syndrome. Last evaluated: 2025-12-06. Review status: criteria provided, single submitter. Criteria: Invitae Variant Classification Sherloc (09022015). Collection method: clinical testing. Allele origin: germline.
Comment: This sequence change replaces arginine, which is basic and polar, with glutamine, which is neutral and polar, at codon 675 of the BBS12 protein (p.Arg675Gln). This variant is present in population databases (rs144843913, gnomAD 0.02%). This variant has not been reported in the literature in individuals affected with BBS12-related conditions. ClinVar contains an entry for this variant (Variation ID: 1486748). Invitae Evidence Modeling of protein sequence and biophysical properties (such as structural, functional, and spatial information, amino acid conservation, physicochemical variation, residue mobility, and thermodynamic stability) indicates that this missense variant is not expected to disrupt BBS12 protein function with a negative predictive value of 80%. In summary, the available evidence is currently insufficient to determine the role of this variant in disease. Therefore, it has been classified as a Variant of Uncertain Significance.

Fulgent Genetics
Classification: Uncertain significance for Bardet-Biedl syndrome 12. Last evaluated: 2024-06-11. Review status: criteria provided, single submitter. Criteria: ACMG Guidelines, 2015. Collection method: clinical testing. Allele origin: germline.